The following is an entry in ClinVar:

ClinVar aggregate classification (germline): Conflicting classifications of pathogenicity. Review status: criteria provided, conflicting classifications (1 of 4 stars). 8 submissions from 6 submitters: Uncertain significance (6); Likely benign (2). Last evaluated 2025-12-14.

Conditions:
Premature ovarian failure 11 (POF11). Identifiers: MedGen C4310783, MONDO:0014843, OMIM 616946.
Cockayne syndrome type 2 (CSB). Also called: COCKAYNE SYNDROME B; Cockayne Syndrome, Type II. Identifiers: Orphanet 191, Orphanet 90322, MedGen C0751038, MONDO:0019570, OMIM 133540.
Cerebrooculofacioskeletal syndrome 1 (COFS1). Also called: Cerebro-oculo-facio-skeletal syndrome 1. Identifiers: MedGen C0220722, MONDO:0008955, OMIM 214150.
DE SANCTIS-CACCHIONE SYNDROME. Identifiers: MedGen C0265201, MONDO:0010217, OMIM 278800.
Lung cancer. Also called: Lung cancer, somatic; Malignant tumor of lung. Identifiers: MedGen C0242379, MONDO:0008903, OMIM 211980.
UV-sensitive syndrome 1 (UVSS1). Identifiers: Orphanet 178338, MedGen C3551173, MONDO:0010909, OMIM 600630.
Age related macular degeneration 5. Identifiers: MedGen C3151063, MONDO:0013409, OMIM 613761.
ERCC6-related disorder. Also called: ERCC6-related disorders; ERCC6-related condition. Identifiers: MedGen CN239385.
Inborn genetic diseases. Identifiers: MedGen C0950123, MeSH D030342.

Allele frequency attached by ClinVar (database versions not stated): gnomAD 0.00003; gnomAD exomes 0.00009 and 0.00019; ESP Exome Variant Server 0.00015; ExAC 0.00017; 1000 Genomes Project 0.00020; TOPMed 0.00020; 1000 Genomes Project 30x 0.00031.
gnomAD v4.1: 165 of 1,614,150 alleles (0.01%); highest among the groups gnomAD compares: Admixed American, 0.027%; no homozygotes.

Submissions (8):

Labcorp Genetics (formerly Invitae), Labcorp
Classification: Likely benign. Last evaluated: 2025-12-14. Review status: criteria provided, single submitter. Criteria: Invitae Variant Classification Sherloc (09022015). Collection method: clinical testing. Allele origin: germline.

PreventionGenetics, part of Exact Sciences
Classification: Likely benign for ERCC6-related condition. Last evaluated: 2025-04-30. Review status: criteria provided, single submitter. Criteria: ACMG Guidelines, 2015. Collection method: clinical testing. Allele origin: germline.
Comment: This variant is classified as likely benign based on ACMG/AMP sequence variant interpretation guidelines (Richards et al. 2015 PMID: 25741868, with internal and published modifications).

Department of Pathology and Laboratory Medicine, Sinai Health System
Classification: Uncertain significance for Cockayne syndrome type 2; Lung cancer; Cerebrooculofacioskeletal syndrome 1; DE SANCTIS-CACCHIONE SYNDROME; UV-sensitive syndrome 1; Premature ovarian failure 11. Last evaluated: 2023-04-02. Review status: criteria provided, single submitter. Criteria: ACMG Guidelines, 2015. Collection method: research. Allele origin: germline.

GeneDx
Classification: Uncertain significance. Last evaluated: 2022-06-06. Review status: criteria provided, single submitter. Criteria: GeneDx Variant Classification Process June 2021. Collection method: clinical testing. Allele origin: germline. Affected: yes.
Comment: In silico analysis supports that this missense variant does not alter protein structure/function; Has not been previously published as pathogenic or benign to our knowledge

Ambry Genetics
Classification: Uncertain significance for Inborn genetic diseases. Last evaluated: 2021-01-20. Review status: criteria provided, single submitter. Criteria: Ambry Variant Classification Scheme 2023. Collection method: clinical testing. Allele origin: germline.
Comment: The c.4393G>A (p.V1465I) alteration is located in exon 21 (coding exon 20) of the ERCC6 gene. This alteration results from a G to A substitution at nucleotide position 4393, causing the valine (V) at amino acid position 1465 to be replaced by an isoleucine (I). The p.V1465I alteration is predicted to be tolerated by in silico analysis. Based on insufficient or conflicting evidence, the clinical significance of this alteration remains unclear.

Illumina Laboratory Services, Illumina
Classification: Uncertain significance for Age related macular degeneration 5. Last evaluated: 2018-01-12. Review status: criteria provided, single submitter. Criteria: ICSL Variant Classification Criteria 13 December 2019. Collection method: clinical testing. Allele origin: germline.

Illumina Laboratory Services, Illumina
Classification: Uncertain significance for Cockayne syndrome type 2. Last evaluated: 2018-01-12. Review status: criteria provided, single submitter. Criteria: ICSL Variant Classification Criteria 13 December 2019. Collection method: clinical testing. Allele origin: germline.

Illumina Laboratory Services, Illumina
Classification: Uncertain significance for Cerebrooculofacioskeletal syndrome 1. Last evaluated: 2018-01-12. Review status: criteria provided, single submitter. Criteria: ICSL Variant Classification Criteria 13 December 2019. Collection method: clinical testing. Allele origin: germline.

NM_000124.4(ERCC6):c.4393G>A (p.Val1465Ile)

Gene: ERCC6 (ERCC excision repair 6, chromatin remodeling factor; minus strand). Cytogenetic location: 10q11.23.
Variant type: single nucleotide variant.
Coding change: c.4393G>A on transcript NM_000124.4 (MANE Select); coding-DNA position 4393, G replaced by A.
Protein change: p.Val1465Ile; replaces valine 1465 with isoleucine.
Molecular consequence: missense variant.
Genome position (GRCh38, 1-based): chr10:49,458,904, C>T on the plus strand (G>A on the coding strand, the complement: ERCC6 is on the minus strand). VCF-style: chr10-49458904-C-T. GRCh37 (hg19) VCF-style: chr10-50666950-C-T.
Other names: c.4393G>A, p.Val1465Ile (NM_001346440.2); short protein forms V1465I.
Identifiers: ClinVar variation 300034 (VCV000300034.22), dbSNP rs201813523, ClinGen allele CA5495122.